The following is an entry in ClinVar:

NM_000090.4(COL3A1):c.226A>G (p.Asn76Asp)

Gene: COL3A1 (collagen type III alpha 1 chain; plus strand). Cytogenetic location: 2q32.2.
Variant type: single nucleotide variant.
Coding change: c.226A>G on transcript NM_000090.4 (MANE Select); coding-DNA position 226, A replaced by G.
Protein change: p.Asn76Asp; replaces asparagine 76 with aspartic acid.
Molecular consequence: missense variant.
Genome position (GRCh38, 1-based): chr2:188,984,906, A>G. VCF-style: chr2-188984906-A-G. GRCh37 (hg19) VCF-style: chr2-189849632-A-G.
Other names: short protein forms N76D.
Identifiers: ClinVar variation 519601 (VCV000519601.32), dbSNP rs142045411, ClinGen allele CA075150.

ClinVar aggregate classification (germline): Conflicting classifications of pathogenicity. Review status: criteria provided, conflicting classifications (1 of 4 stars). 7 submissions from 7 submitters: Uncertain significance (5); Benign (2). Last evaluated 2026-03-06.

Conditions:
Familial thoracic aortic aneurysm and aortic dissection (TAAD). Also called: Thoracic aortic aneurysms and dissections. Identifiers: Orphanet 91387, MedGen C4707243, MONDO:0019625.
Ehlers-Danlos syndrome, type 4 (EDSVASC). Also called: Ehlers-Danlos syndrome vascular type; Ehlers Danlos syndrome, ecchymotic type; Ehlers Danlos syndrome, arterial type; Ehlers Danlos syndrome, Sack-Barabas type; Ehlers-Danlos Syndrome Type IV. Identifiers: Orphanet 286, MedGen C0268338, MONDO:0017314, OMIM 130050.

Allele frequency attached by ClinVar (database versions not stated): ExAC 0.00003; gnomAD exomes 0.00006 and 0.00015; gnomAD 0.00010 and 0.00011; TOPMed 0.00015; ESP Exome Variant Server 0.00023.
gnomAD v4.1: 232 of 1,613,104 alleles (0.014%); highest among the groups gnomAD compares: Non-Finnish European, 0.018%; no homozygotes.

Submissions (7):

Women's Health and Genetics/Laboratory Corporation of America, LabCorp
Classification: Uncertain significance. Last evaluated: 2026-03-06. Review status: criteria provided, single submitter. Criteria: LabCorp Variant Classification Summary - May 2015. Collection method: clinical testing. Allele origin: germline.
Comment: Variant summary: COL3A1 c.226A>G (p.Asn76Asp) results in a conservative amino acid change in the encoded protein sequence. Algorithms developed to predict the effect of missense changes on protein structure and function are either unavailable or do not agree on the potential impact of this missense change. The variant allele was found at a frequency of 6e-05 in 250678 control chromosomes, predominantly at a frequency of 0.00011 within the Non-Finnish European subpopulation in the gnomAD database. The observed variant frequency within Non-Finnish European control individuals in the gnomAD database exceeds the estimated maximal expected allele frequency for disease-causing variants in COL3A1. The variant, c.226A>G, has been observed in heterozygous state in at least two individuals diagnosed with Ehlers-Danlos Syndrome, Vascular Type (Manhas_2024), however no further details on these cases were provided. In addition, the variant has also been reported in an individual affected with lacunar stroke (Tan_2019). To our knowledge, no experimental evidence demonstrating an impact on protein function has been reported. The following publications have been ascertained in the context of this evaluation (PMID: 31719132, 38944978). ClinVar contains an entry for this variant (Variation ID: 519601). Based on the evidence outlined above, the variant was classified as VUS-possibly benign.

Labcorp Genetics (formerly Invitae), Labcorp
Classification: Uncertain significance for Ehlers-Danlos syndrome, type 4. Last evaluated: 2026-02-03. Review status: criteria provided, single submitter. Criteria: Invitae Variant Classification Sherloc (09022015). Collection method: clinical testing. Allele origin: germline.
Comment: This sequence change replaces asparagine, which is neutral and polar, with aspartic acid, which is acidic and polar, at codon 76 of the COL3A1 protein (p.Asn76Asp). This variant is present in population databases (rs142045411, gnomAD 0.01%). This missense change has been observed in individual(s) with COL3A1-related conditions (PMID: 31719132, 38944978). ClinVar contains an entry for this variant (Variation ID: 519601). Invitae Evidence Modeling of protein sequence and biophysical properties (such as structural, functional, and spatial information, amino acid conservation, physicochemical variation, residue mobility, and thermodynamic stability) indicates that this missense variant is not expected to disrupt COL3A1 protein function with a negative predictive value of 95%. In summary, the available evidence is currently insufficient to determine the role of this variant in disease. Therefore, it has been classified as a Variant of Uncertain Significance.

GeneDx
Classification: Uncertain significance. Last evaluated: 2024-07-03. Review status: criteria provided, single submitter. Criteria: GeneDx Variant Classification Process June 2021. Collection method: clinical testing. Allele origin: germline. Affected: yes.
Comment: Reported in an individual with younger-onset small vessel disease (PMID: 31719132); In silico analysis indicates that this missense variant does not alter protein structure/function; Not located in the triple helical region, where the majority of pathogenic missense variants occur (HGMD); This variant is associated with the following publications: (PMID: 38944978, 31719132)

All of Us Research Program, National Institutes of Health
Classification: Uncertain significance for Ehlers-Danlos syndrome, type 4. Last evaluated: 2024-05-30. Review status: criteria provided, single submitter. Criteria: ACMG Guidelines, 2015. Collection method: clinical testing. Allele origin: germline. Inheritance: Autosomal dominant inheritance. Observed: 30 variant alleles, 30 heterozygotes.
Comment: This missense variant replaces asparagine with aspartic acid at codon 76 of the COL3A1 protein. Computational prediction suggests that this variant may not impact protein structure and function (internally defined REVEL score threshold <= 0.5, PMID: 27666373). To our knowledge, functional studies have not been reported for this variant. This variant has been reported in an individual affected with lacunar stroke (PMID: 31719132). This variant has been identified in 19/282052 chromosomes in the general population by the Genome Aggregation Database (gnomAD). The available evidence is insufficient to determine the role of this variant in disease conclusively. Therefore, this variant is classified as a Variant of Uncertain Significance.

This study involves interpretation of variants in research participants for the purpose of population health screening. Participant phenotype was not available at the time of variant classification. Additional details can be found in publication PMID: 35346344, PMCID: PMC8962531

Ambry Genetics
Classification: Benign for Familial thoracic aortic aneurysm and aortic dissection. Last evaluated: 2024-04-11. Review status: criteria provided, single submitter. Criteria: Ambry Variant Classification Scheme 2023. Collection method: clinical testing. Allele origin: germline.

Color Diagnostics, LLC DBA Color Health
Classification: Uncertain significance for Familial thoracic aortic aneurysm and aortic dissection. Last evaluated: 2024-02-07. Review status: criteria provided, single submitter. Criteria: ACMG Guidelines, 2015. Collection method: clinical testing. Allele origin: germline.
Comment: This missense variant replaces asparagine with aspartic acid at codon 76 of the COL3A1 protein. Computational prediction suggests that this variant may not impact protein structure and function (internally defined REVEL score threshold <= 0.5, PMID: 27666373). To our knowledge, functional studies have not been reported for this variant. This variant has been reported in an individual affected with lacunar stroke (PMID: 31719132). This variant has been identified in 19/282052 chromosomes in the general population by the Genome Aggregation Database (gnomAD). The available evidence is insufficient to determine the role of this variant in disease conclusively. Therefore, this variant is classified as a Variant of Uncertain Significance.

Illumina Laboratory Services, Illumina
Classification: Benign for Ehlers-Danlos syndrome, type 4. Last evaluated: 2018-01-12. Review status: criteria provided, single submitter. Criteria: ICSL Variant Classification Criteria 13 December 2019. Collection method: clinical testing. Allele origin: germline.
Comment: This variant was observed in the ICSL laboratory as part of a predisposition screen in an ostensibly healthy population. It had not been previously curated by ICSL or reported in the Human Gene Mutation Database (HGMD: prior to June 1st, 2018), and was therefore a candidate for classification through an automated scoring system. Utilizing variant allele frequency, disease prevalence and penetrance estimates, and inheritance mode, an automated score was calculated to assess if this variant is too frequent to cause the disease. Based on the score and internal cut-off values, a variant classified as benign is not then subjected to further curation. The score for this variant resulted in a classification of benign for this disease.

Literature cited by the submitters: PubMed 31719132 (cited by 5 submitters); PubMed 38944978 (cited by Women's Health and Genetics/Laboratory Corporation of America, LabCorp and Labcorp Genetics (formerly Invitae), Labcorp).